The following is an entry in ClinVar:

NM_005902.4(SMAD3):c.110_121del (p.Ser37_Lys40del)

Gene: SMAD3 (SMAD family member 3; plus strand). Cytogenetic location: 15q22.33.
Variant type: Deletion.
Coding change: c.110_121del on transcript NM_005902.4 (MANE Select); coding-DNA positions 110 to 121, 12 bases deleted (GCCTGGTCAAGA).
Protein change: p.Ser37_Lys40del.
Molecular consequence: inframe deletion.
Genome position (GRCh38, 1-based): chr15:67,066,264-67,066,275, GCCTGGTCAAGA deleted; deleting any 12 consecutive bases within chr15:67,066,256-67,066,275 gives the same sequence; the c. name uses the placement nearest the transcript's 3' end. VCF-style (leftmost placement, unchanged base first): chr15-67066255-CGGTCAAGAGCCT-C. GRCh37 (hg19) VCF-style: chr15-67358593-CGGTCAAGAGCCT-C.
Other names: c.110_121del (NM_005902.3); c.110_121delGCCTGGTCAAGA (NM_005902.3).
Identifiers: ClinVar variation 213788 (VCV000213788.11), dbSNP rs863223755, ClinGen allele CA324209.

ClinVar aggregate classification (germline): Conflicting classifications of pathogenicity. Review status: criteria provided, conflicting classifications (1 of 4 stars). 3 submissions from 3 submitters: Likely pathogenic (1); Uncertain significance (2). Last evaluated 2025-03-13.

Conditions:
Familial thoracic aortic aneurysm and aortic dissection (TAAD). Also called: Thoracic aortic aneurysms and dissections. Identifiers: Orphanet 91387, MedGen C4707243, MONDO:0019625.

Submissions (3):

GeneDx
Classification: Likely pathogenic. Last evaluated: 2025-03-13. Review status: criteria provided, single submitter. Criteria: GeneDx Variant Classification Process June 2021. Collection method: clinical testing. Allele origin: germline. Affected: yes.
Comment: Has not been previously published as pathogenic or benign to our knowledge; Not observed at significant frequency in large population cohorts (gnomAD); In-frame deletion of 4 amino acid(s) in a non-repeat region; In silico analysis supports a deleterious effect on protein structure/function

Labcorp Genetics (formerly Invitae), Labcorp
Classification: Uncertain significance for Familial thoracic aortic aneurysm and aortic dissection. Last evaluated: 2025-01-27. Review status: criteria provided, single submitter. Criteria: Invitae Variant Classification Sherloc (09022015). Collection method: clinical testing. Allele origin: germline.
Comment: This variant, c.110_121del, results in the deletion of 4 amino acid(s) of the SMAD3 protein (p.Ser37_Lys40del), but otherwise preserves the integrity of the reading frame. This variant is not present in population databases (gnomAD no frequency). This variant has not been reported in the literature in individuals affected with SMAD3-related conditions. ClinVar contains an entry for this variant (Variation ID: 213788). Experimental studies and prediction algorithms are not available or were not evaluated, and the functional significance of this variant is currently unknown. In summary, the available evidence is currently insufficient to determine the role of this variant in disease. Therefore, it has been classified as a Variant of Uncertain Significance.

Blueprint Genetics
Classification: Uncertain significance. Last evaluated: 2023-10-06. Review status: criteria provided, single submitter. Criteria: ACMG Guidelines, 2015. Collection method: clinical testing. Allele origin: germline.